The following is an entry in ClinVar:

NM_004380.3(CREBBP):c.5454G>A (p.Val1818=)

Gene: CREBBP (CREB binding lysine acetyltransferase; minus strand). Cytogenetic location: 16p13.3.
Variant type: single nucleotide variant.
Coding change: c.5454G>A on transcript NM_004380.3 (MANE Select); coding-DNA position 5454, G replaced by A.
Protein change: p.Val1818=; no amino-acid change (valine 1818 retained).
Molecular consequence: synonymous variant.
Genome position (GRCh38, 1-based): chr16:3,729,593, C>T on the plus strand (G>A on the coding strand, the complement: CREBBP is on the minus strand). VCF-style: chr16-3729593-C-T. GRCh37 (hg19) VCF-style: chr16-3779594-C-T.
Other names: c.5340G>A, p.Val1780= (NM_001079846.1).
Identifiers: ClinVar variation 158386 (VCV000158386.54), dbSNP rs61754523, ClinGen allele CA171798.

ClinVar aggregate classification (germline): Benign. Review status: criteria provided, multiple submitters, no conflicts (2 of 4 stars). 7 submissions from 7 submitters: Benign (7). Last evaluated 2026-09-01.

Conditions:
Rubinstein-Taybi syndrome (RSTS). Identifiers: Orphanet 783, MedGen C0035934, MONDO:0019188.
Inborn genetic diseases. Identifiers: MedGen C0950123, MeSH D030342.

Allele frequency attached by ClinVar (database versions not stated): 1000 Genomes Project 30x 0.00219; 1000 Genomes Project 0.00280; TOPMed 0.00621; gnomAD exomes 0.00688 and 0.00973; ExAC 0.00705; gnomAD 0.00747 and 0.00785; ESP Exome Variant Server 0.00793.
gnomAD v4.1: 15,228 of 1,614,204 alleles (0.94%); highest among the groups gnomAD compares: Non-Finnish European, 1.1%; 105 homozygotes.

Submissions (7):

CeGaT Center for Human Genetics Tuebingen
Classification: Benign. Last evaluated: 2026-09-01. Review status: criteria provided, single submitter. Criteria: CeGaT Center For Human Genetics Tuebingen Variant Classification Criteria Version 2. Collection method: clinical testing. Allele origin: germline. Affected: yes. Observed: 46 variant alleles.
Comment: CREBBP: BP4, BP7, BS1, BS2

Labcorp Genetics (formerly Invitae), Labcorp
Classification: Benign for Rubinstein-Taybi syndrome. Last evaluated: 2026-01-30. Review status: criteria provided, single submitter. Criteria: Invitae Variant Classification Sherloc (09022015). Collection method: clinical testing. Allele origin: germline.

Ambry Genetics
Classification: Benign for Inborn genetic diseases. Last evaluated: 2016-09-14. Review status: criteria provided, single submitter. Criteria: Ambry Variant Classification Scheme 2023. Collection method: clinical testing. Allele origin: germline.

Eurofins Ntd Llc (ga)
Classification: Benign. Last evaluated: 2016-02-05. Review status: criteria provided, single submitter. Criteria: EGL Classification Definitions 2015. Collection method: clinical testing. Allele origin: germline. Observed: 2 variant alleles, 2 heterozygotes.

GeneDx
Classification: Benign. Last evaluated: 2015-03-03. Review status: criteria provided, single submitter. Criteria: GeneDx Variant Classification Process June 2021. Collection method: clinical testing. Allele origin: germline. Affected: yes.

Genetic Services Laboratory, University of Chicago
Classification: Benign. Last evaluated: 2013-02-08. Review status: criteria provided, single submitter. Criteria: ACMG Guidelines, 2007. Collection method: clinical testing. Allele origin: germline. Inheritance: Autosomal dominant inheritance.

Breakthrough Genomics
Classification: Benign. Review status: criteria provided, single submitter. Criteria: ACMG Guidelines, 2015. Collection method: not provided. Allele origin: germline. Inheritance: Autosomal dominant inheritance. Affected: yes.